The following is an entry in ClinVar:

ClinVar aggregate classification (germline): Uncertain significance (1 of 4 stars; one submission).

gnomAD v4.1: 1 of 1,610,372 alleles (0.000062%); highest among the groups gnomAD compares: Non-Finnish European, 0.000085%; no homozygotes.

Submission:

Labcorp Genetics (formerly Invitae), Labcorp
Classification: Uncertain significance. Last evaluated: 2024-04-25. Review status: criteria provided, single submitter. Criteria: Invitae Variant Classification Sherloc (09022015). Collection method: clinical testing. Allele origin: germline.
Comment: This sequence change creates a premature translational stop signal (p.Arg351*) in the ERBB2 gene. It is expected to result in an absent or disrupted protein product. However, the current clinical and genetic evidence is not sufficient to establish whether loss-of-function variants in ERBB2 cause disease. This variant is not present in population databases (gnomAD no frequency). This variant has not been reported in the literature in individuals affected with ERBB2-related conditions. Algorithms developed to predict the effect of sequence changes on RNA splicing suggest that this variant may disrupt the consensus splice site. In summary, the available evidence is currently insufficient to determine the role of this variant in disease. Therefore, it has been classified as a Variant of Uncertain Significance.

NM_004448.4(ERBB2):c.1051C>T (p.Arg351Ter)

Gene: ERBB2 (erb-b2 receptor tyrosine kinase 2; plus strand). Cytogenetic location: 17q12.
Variant type: single nucleotide variant.
Coding change: c.1051C>T on transcript NM_004448.4 (MANE Select); coding-DNA position 1051, C replaced by T.
Protein change: p.Arg351Ter; replaces arginine 351 with a stop codon.
Molecular consequence: nonsense. On other transcripts: non-coding transcript variant (1).
Genome position (GRCh38, 1-based): chr17:39,712,351, C>T. VCF-style: chr17-39712351-C-T. GRCh37 (hg19) VCF-style: chr17-37868604-C-T.
Other names: c.1051C>T, p.Arg351Ter (NM_001382805.1, NM_001382806.1, NM_001382796.1 and 16 more transcripts); c.871C>T, p.Arg291Ter (NM_001382799.1); c.793C>T, p.Arg265Ter (NM_001382802.1); c.223C>T, p.Arg75Ter (NM_001382804.1); c.961C>T, p.Arg321Ter (NM_001005862.3, NM_001289938.2, NM_001382782.1 and 1 more transcripts); c.1006C>T, p.Arg336Ter (NM_001289936.2); c.1126C>T, p.Arg376Ter (NM_001382787.1); c.1042C>T, p.Arg348Ter (NM_001382791.1); short protein forms R348*, R75*, R265*, R291*, R336*, R351*, R376*, R321*.
Identifiers: ClinVar variation 3709846 (VCV003709846.2).
Genomic context (GRCh38, chr17:39,712,351, plus strand): 5'-GCCCCTTCCCCACCCACCCCCACCTCCTCAGTGTGCTATGGTCTGGGCATGGAGCACTTG[C>T]GAGAGGTGAGGGCAGTTACCAGTGCCAATATCCAGGAGTTTGCTGGCTGCAAGAAGATCT-3'